The following is an entry in ClinVar:

NM_000051.4(ATM):c.3175G>A (p.Ala1059Thr)

Gene: ATM (ATM serine/threonine kinase; plus strand). Cytogenetic location: 11q22.3.
Variant type: single nucleotide variant.
Coding change: c.3175G>A on transcript NM_000051.4 (MANE Select); coding-DNA position 3175, G replaced by A.
Protein change: p.Ala1059Thr; replaces alanine 1059 with threonine.
Molecular consequence: missense variant.
Genome position (GRCh38, 1-based): chr11:108,272,743, G>A. VCF-style: chr11-108272743-G-A. GRCh37 (hg19) VCF-style: chr11-108143470-G-A.
Other names: p.A1059T:GCC>ACC; c.3175G>A, p.Ala1059Thr (NM_001351834.2); short protein forms A1059T.
Identifiers: ClinVar variation 127367 (VCV000127367.33), dbSNP rs370282831, ClinGen allele CA204829.

ClinVar aggregate classification (germline): Conflicting classifications of pathogenicity. Review status: criteria provided, conflicting classifications (1 of 4 stars). 10 submissions from 10 submitters: Uncertain significance (7); Likely benign (3). Last evaluated 2026-03-25.

Conditions:
Hereditary cancer-predisposing syndrome. Also called: Neoplastic Syndromes, Hereditary; Tumor predisposition; Hereditary neoplastic syndrome; Hereditary Cancer Syndrome. Identifiers: Orphanet 140162, MedGen C0027672, MeSH D009386, MONDO:0015356.
Familial cancer of breast. Also called: BREAST CANCER, FAMILIAL; hereditary breast carcinoma; Hereditary breast cancer. Identifiers: Orphanet 227535, MedGen C0346153, MONDO:0016419, OMIM 114480. Disease mechanism: loss of function.
Ataxia-telangiectasia syndrome (AT). Also called: Ataxia telangiectasia (A-T); LOUIS-BAR SYNDROME; Cerebello-oculocutaneous telangiectasia; Immunodeficiency with ataxia telangiectasia; Ataxia-telangiectasia, complementation group E; Ataxia-telangiectasia, complementation group D. Identifiers: Orphanet 100, MedGen C0004135, MONDO:0008840, OMIM 208900.
Hereditary breast ovarian cancer syndrome. Also called: Hereditary breast and ovarian cancer syndrome; Hereditary breast and ovarian cancer syndrome (HBOC); Breast and ovarian cancer; BRCA1- and BRCA2-Associated Hereditary Breast and Ovarian Cancer; Hereditary breast and/or ovarian cancer syndrome; Hereditary breast and ovarian cancer. Identifiers: Orphanet 145, MedGen C0677776, MeSH D061325, MONDO:0003582. Disease mechanism: loss of function.

Allele frequency attached by ClinVar (database versions not stated): gnomAD 0.00003 and 0.00004; TOPMed 0.00002; ESP Exome Variant Server 0.00015.

Submissions (10):

Ambry Genetics
Classification: Likely benign for Hereditary cancer-predisposing syndrome. Last evaluated: 2026-03-25. Review status: criteria provided, single submitter. Criteria: Ambry Variant Classification Scheme 2023. Collection method: clinical testing. Allele origin: germline.

Labcorp Genetics (formerly Invitae), Labcorp
Classification: Likely benign for Ataxia-telangiectasia syndrome. Last evaluated: 2026-02-03. Review status: criteria provided, single submitter. Criteria: Invitae Variant Classification Sherloc (09022015). Collection method: clinical testing. Allele origin: germline.

Quest Diagnostics Nichols Institute San Juan Capistrano
Classification: Uncertain significance. Last evaluated: 2025-02-25. Review status: criteria provided, single submitter. Criteria: Quest Diagnostics criteria. Collection method: clinical testing. Allele origin: unknown.

Color Diagnostics, LLC DBA Color Health
Classification: Uncertain significance for Hereditary cancer-predisposing syndrome. Last evaluated: 2024-12-23. Review status: criteria provided, single submitter. Criteria: ACMG Guidelines, 2015. Collection method: clinical testing. Allele origin: germline.
Comment: This missense variant replaces alanine with threonine at codon 1059 of the ATM protein. Computational prediction suggests that this variant may not impact protein structure and function. To our knowledge, functional studies have not been reported for this variant. This variant has been reported in an individual affected with Lynch syndrome-associated cancer and/or polyps (PMID: 25980754). In a large international case-control study, this variant was reported in 0/60466 breast cancer cases and 1/53460 controls (OR=0.442, 95%CI 0.015 to 13.178, p-value=0.469; PMID: 33471991). This variant has also been identified in 3/282670 chromosomes in the general population by the Genome Aggregation Database (gnomAD). The available evidence is insufficient to determine the role of this variant in disease conclusively. Therefore, this variant is classified as a Variant of Uncertain Significance.

Myriad Genetics, Inc.
Classification: Likely benign for Familial cancer of breast. Last evaluated: 2024-02-23. Review status: criteria provided, single submitter. Criteria: Myriad Autosomal Dominant, Autosomal Recessive and X-Linked Classification Criteria (2023). Collection method: clinical testing. Allele origin: unknown.
Comment: This variant is considered likely benign. This variant is strongly associated with less severe personal and family histories of cancer, typical for individuals without pathogenic variants in this gene [PMID: 25085752].

GeneDx
Classification: Uncertain significance. Last evaluated: 2023-10-19. Review status: criteria provided, single submitter. Criteria: GeneDx Variant Classification Process June 2021. Collection method: clinical testing. Allele origin: germline. Affected: yes.
Comment: Not observed at significant frequency in large population cohorts (gnomAD); In silico analysis supports that this missense variant does not alter protein structure/function; Identified in individuals with breast cancer, Lynch syndrome-associated cancer and/or polyps, or CLL, and also seen in unaffected controls (Bernstein et al., 2010; Vollbrecht et al., 2015; Yurgelun et al., 2015; Decker et al., 2017; Tiao et al., 2017); This variant is associated with the following publications: (PMID: 25980754, 28779002, 28652578, 29778231, 19781682, 25356970, 32055024, 26053404, 20305132)

Baylor Genetics
Classification: Uncertain significance for Familial cancer of breast. Last evaluated: 2023-10-17. Review status: criteria provided, single submitter. Criteria: ACMG Guidelines, 2015. Collection method: clinical testing. Allele origin: unknown.

Women's Health and Genetics/Laboratory Corporation of America, LabCorp
Classification: Uncertain significance. Last evaluated: 2023-06-06. Review status: criteria provided, single submitter. Criteria: LabCorp Variant Classification Summary - May 2015. Collection method: clinical testing. Allele origin: germline.
Comment: Variant summary: ATM c.3175G>A (p.Ala1059Thr) results in a non-conservative amino acid change in the encoded protein sequence. Three of five in-silico tools predict a benign effect of the variant on protein function. The variant allele was found at a frequency of 7.6e-06 in 262258 control chromosomes (gnomAD, Decker_2017). The available data on variant occurrences in the general population are insufficient to allow any conclusion about variant significance. c.3175G>A has been reported in the literature in individuals affected with Breast Cancer, Lynch Syndrome and Chronic Lymphocytic Leukemia (e.g. Bernstein_2010, Vollbrecht_2015, Yurgelun_2015) but it was also reported in controls (e.g. Decker_2017, Dorling_2021). These reports do not provide unequivocal conclusions about association of the variant with Ataxia-Telangiectasia or Breast Cancer. To our knowledge, no experimental evidence demonstrating an impact on protein function has been reported. The following publications have been ascertained in the context of this evaluation (PMID: 20305132, 28779002, 29778231, 28652578, 26053404, 25980754, 33471991). Six ClinVar submitters have assessed the variant since 2014: five classified the variant as uncertain significance and one as likely benign. Based on the evidence outlined above, the variant was classified as uncertain significance.

Pittsburgh Clinical Genomics Laboratory, University of Pittsburgh Medical Center
Classification: Uncertain significance for Hereditary Breast and Ovarian Cancer Syndrome. Last evaluated: 2018-05-14. Review status: criteria provided, single submitter. Criteria: ACMG Guidelines, 2015. Collection method: clinical testing. Allele origin: germline. Affected: no. Observed: 1 variant allele.
Comment: This sequence variant is a single nucleotide substitution (G>A) that results in an alanine to threonine amino acid change at residue 1059 in the ATM protein. This is a previously reported, rare variant in a control population dataset (gnomAD database, 3/277,044 alleles, 0.0011% overall frequency) that has been observed in at least one individual with Lynch syndrome-associated cancer and/or polyps (PMID: 25980754). The Ala1059 residue is not located within a domain typically recognized as critical for ATM function in the DNA mismatch repair pathway. Bioinformatic tools queried are in disagreement with whether this alanine to threonine amino acid substitution would be damaging. The alanine residue at this position is only moderately evolutionarily conserved across mammalian species examined. All six ClinVar entries for this variant report the significance of this variant to be uncertain. Based upon the evidence, we also consider this to be a variant of uncertain significance.

Fulgent Genetics
Classification: Uncertain significance for Familial cancer of breast; Ataxia-telangiectasia syndrome. Last evaluated: 2017-05-23. Review status: criteria provided, single submitter. Criteria: ACMG Guidelines, 2015. Collection method: clinical testing. Allele origin: unknown.

Literature cited by the submitters: PubMed 40580951 (cited by Ambry Genetics); PubMed 25980754 (cited by 3 submitters); PubMed 25085752 (cited by Myriad Genetics, Inc.); PubMed 26053404 (cited by Women's Health and Genetics/Laboratory Corporation of America, LabCorp); PubMed 20305132 (cited by Women's Health and Genetics/Laboratory Corporation of America, LabCorp); PubMed 28779002 (cited by Women's Health and Genetics/Laboratory Corporation of America, LabCorp); PubMed 28652578 (cited by Women's Health and Genetics/Laboratory Corporation of America, LabCorp); PubMed 29778231 (cited by Women's Health and Genetics/Laboratory Corporation of America, LabCorp); PubMed 33471991 (cited by Women's Health and Genetics/Laboratory Corporation of America, LabCorp).